The following is an entry in ClinVar:

NM_000179.3(MSH6):c.2698G>T (p.Gly900Cys)

Gene: MSH6 (mutS homolog 6; plus strand). Cytogenetic location: 2p16.3.
Variant type: single nucleotide variant.
Coding change: c.2698G>T on transcript NM_000179.3 (MANE Select); coding-DNA position 2698, G replaced by T.
Protein change: p.Gly900Cys; replaces glycine 900 with cysteine.
Molecular consequence: missense variant. On other transcripts: non-coding transcript variant (5), intron variant (2).
Genome position (GRCh38, 1-based): chr2:47,800,681, G>T. VCF-style: chr2-47800681-G-T. GRCh37 (hg19) VCF-style: chr2-48027820-G-T.
Other names: c.2308G>T, p.Gly770Cys (NM_001281492.2); c.1792G>T, p.Gly598Cys (NM_001281493.2, NM_001281494.2, NM_001406811.1 and 6 more transcripts); c.2794G>T, p.Gly932Cys (NM_001406795.1, NM_001406802.1); c.2698G>T, p.Gly900Cys (NM_001406796.1, NM_001406798.1, NM_001406800.1 and 2 more transcripts); c.2401G>T, p.Gly801Cys (NM_001406797.1, NM_001406801.1, NM_001406805.1 and 10 more transcripts); c.2173G>T, p.Gly725Cys (NM_001406799.1, NM_001406806.1, NM_001406807.1); c.2620G>T, p.Gly874Cys (NM_001406804.1); c.2704G>T, p.Gly902Cys (NM_001406813.1); and 4 more; short protein forms G215C, G598C, G725C, G770C, G801C, G844C, G874C, G900C.
Identifiers: ClinVar variation 2650881 (VCV002650881.24), dbSNP rs2104419723, ClinGen allele CA346755316.

ClinVar aggregate classification (germline): Uncertain significance (1 of 4 stars; one submission).

Submission:

CeGaT Center for Human Genetics Tuebingen
Classification: Uncertain significance. Last evaluated: 2022-09-01. Review status: criteria provided, single submitter. Criteria: CeGaT Center For Human Genetics Tuebingen Variant Classification Criteria Version 2. Collection method: clinical testing. Allele origin: germline. Affected: yes. Observed: 1 variant allele.
Comment: MSH6: PM2, BP1